The following is an entry in ClinVar:

ClinVar aggregate classification (germline): Uncertain significance. Review status: criteria provided, multiple submitters, no conflicts (2 of 4 stars). 2 submissions from 2 submitters: Uncertain significance (2). Last evaluated 2025-08-23.

Conditions:
PAX8-related disorder. Also called: PAX8-related condition.
Inborn genetic diseases. Identifiers: MedGen C0950123, MeSH D030342.

gnomAD v4.1: 13 of 1,612,720 alleles (0.00081%); highest among the groups gnomAD compares: African/African-American, 0.008%; no homozygotes.

Submissions (2):

Ambry Genetics
Classification: Uncertain significance for Inborn genetic diseases. Last evaluated: 2025-08-23. Review status: criteria provided, single submitter. Criteria: Ambry Variant Classification Scheme 2023. Collection method: clinical testing. Allele origin: germline.

PreventionGenetics, part of Exact Sciences
Classification: Uncertain significance for PAX8-related condition. Last evaluated: 2025-06-12. Review status: criteria provided, single submitter. Criteria: ACMG Guidelines, 2015. Collection method: clinical testing. Allele origin: germline.
Comment: The PAX8 c.1012G>A variant is predicted to result in the amino acid substitution p.Gly338Arg. To our knowledge, this variant has not been reported in the literature. This variant is reported in 0.017% of alleles in individuals of African descent in gnomAD. At this time, the clinical significance of this variant is uncertain due to the absence of conclusive functional and genetic evidence.

NM_003466.4(PAX8):c.1012G>A (p.Gly338Arg)

Gene: PAX8 (paired box 8; minus strand). Cytogenetic location: 2q14.1.
Variant type: single nucleotide variant.
Coding change: c.1012G>A on transcript NM_003466.4 (MANE Select); coding-DNA position 1012, G replaced by A.
Protein change: p.Gly338Arg; replaces glycine 338 with arginine.
Molecular consequence: missense variant. On other transcripts: synonymous variant (1), intron variant (2).
Genome position (GRCh38, 1-based): chr2:113,235,469, C>T on the plus strand (G>A on the coding strand, the complement: PAX8 is on the minus strand). VCF-style: chr2-113235469-C-T. GRCh37 (hg19) VCF-style: chr2-113993046-C-T.
Other names: c.933G>A, p.Pro311= (NM_013952.4); c.777+6082G>A (NM_013992.4, NM_013953.4); short protein forms G338R.
Identifiers: ClinVar variation 4131456 (VCV004131456.2).